The following is an entry in ClinVar:

ClinVar aggregate classification (germline): Uncertain significance. Review status: criteria provided, multiple submitters, no conflicts (2 of 4 stars). 2 submissions from 2 submitters: Uncertain significance (2). Last evaluated 2022-07-03.

Conditions:
Oculodentodigital dysplasia, autosomal recessive. Also called: OCULODENTOOSSEOUS DYSPLASIA, AUTOSOMAL RECESSIVE; ODDD, AUTOSOMAL RECESSIVE; ODOD, AUTOSOMAL RECESSIVE. Identifiers: Orphanet 2710, MedGen C2749477, MONDO:0009768, OMIM 257850.

Allele frequency attached by ClinVar (database versions not stated): gnomAD exomes 0.00001.

Submissions (2):

Labcorp Genetics (formerly Invitae), Labcorp
Classification: Uncertain significance for Oculodentodigital dysplasia, autosomal recessive. Last evaluated: 2022-07-03. Review status: criteria provided, single submitter. Criteria: Invitae Variant Classification Sherloc (09022015). Collection method: clinical testing. Allele origin: germline.
Comment: In summary, the available evidence is currently insufficient to determine the role of this variant in disease. Therefore, it has been classified as a Variant of Uncertain Significance. Algorithms developed to predict the effect of missense changes on protein structure and function are either unavailable or do not agree on the potential impact of this missense change (SIFT: "Deleterious"; PolyPhen-2: "Probably Damaging"; Align-GVGD: "Class C0"). This variant has not been reported in the literature in individuals affected with GJA1-related conditions. This variant is not present in population databases (gnomAD no frequency). This sequence change replaces phenylalanine, which is neutral and non-polar, with leucine, which is neutral and non-polar, at codon 84 of the GJA1 protein (p.Phe84Leu).

GeneDx
Classification: Uncertain significance. Last evaluated: 2022-06-22. Review status: criteria provided, single submitter. Criteria: GeneDx Variant Classification Process June 2021. Collection method: clinical testing. Allele origin: germline. Affected: yes.
Comment: Not observed at significant frequency in large population cohorts (gnomAD); In silico analysis supports that this missense variant has a deleterious effect on protein structure/function; Has not been previously published as pathogenic or benign to our knowledge

NM_000165.5(GJA1):c.252T>A (p.Phe84Leu)

Gene: GJA1 (gap junction protein alpha 1; plus strand). Cytogenetic location: 6q22.31.
Variant type: single nucleotide variant.
Coding change: c.252T>A on transcript NM_000165.5 (MANE Select); coding-DNA position 252, T replaced by A.
Protein change: p.Phe84Leu; replaces phenylalanine 84 with leucine.
Molecular consequence: missense variant.
Genome position (GRCh38, 1-based): chr6:121,447,099, T>A. VCF-style: chr6-121447099-T-A. GRCh37 (hg19) VCF-style: chr6-121768245-T-A.
Other names: short protein forms F84L.
Identifiers: ClinVar variation 1693033 (VCV001693033.7), dbSNP rs1773901515, ClinGen allele CA365558412.